The following is an entry in ClinVar:

ClinVar aggregate classification (germline): Uncertain significance (1 of 4 stars; one submission).

Conditions:
RASopathy. Also called: rasopathies; Noonan spectrum disorder. Identifiers: Orphanet 536391, MedGen C5555857, MONDO:0021060.

Allele frequency attached by ClinVar (database versions not stated): gnomAD exomes below 0.00001.
gnomAD v4.1: 1 of 1,611,974 alleles (0.000062%); highest among the groups gnomAD compares: Non-Finnish European, 0.000085%; no homozygotes.

Submission:

Labcorp Genetics (formerly Invitae), Labcorp
Classification: Uncertain significance for RASopathy. Last evaluated: 2025-06-29. Review status: criteria provided, single submitter. Criteria: Invitae Variant Classification Sherloc (09022015). Collection method: clinical testing. Allele origin: germline.
Comment: This sequence change replaces valine, which is neutral and non-polar, with isoleucine, which is neutral and non-polar, at codon 154 of the MAP2K1 protein (p.Val154Ile). This variant is not present in population databases (gnomAD no frequency). This variant has not been reported in the literature in individuals affected with MAP2K1-related conditions. ClinVar contains an entry for this variant (Variation ID: 2788415). Invitae Evidence Modeling of protein sequence and biophysical properties (such as structural, functional, and spatial information, amino acid conservation, physicochemical variation, residue mobility, and thermodynamic stability) indicates that this missense variant is not expected to disrupt MAP2K1 protein function with a negative predictive value of 95%. In summary, the available evidence is currently insufficient to determine the role of this variant in disease. Therefore, it has been classified as a Variant of Uncertain Significance.

NM_002755.4(MAP2K1):c.460G>A (p.Val154Ile)

Gene: MAP2K1 (mitogen-activated protein kinase kinase 1; plus strand). Cytogenetic location: 15q22.31.
Variant type: single nucleotide variant.
Coding change: c.460G>A on transcript NM_002755.4 (MANE Select); coding-DNA position 460, G replaced by A.
Protein change: p.Val154Ile; replaces valine 154 with isoleucine.
Molecular consequence: missense variant. On other transcripts: intron variant (1).
Genome position (GRCh38, 1-based): chr15:66,443,301, G>A. VCF-style: chr15-66443301-G-A. GRCh37 (hg19) VCF-style: chr15-66735639-G-A.
Other names: c.373-1355G>A (NM_001411065.1); short protein forms V154I.
Identifiers: ClinVar variation 2788415 (VCV002788415.3), dbSNP rs2140597968, ClinGen allele CA392931832.